The following is an entry in ClinVar:

ClinVar aggregate classification (germline): Uncertain significance (1 of 4 stars; one submission).

Allele frequency attached by ClinVar (database versions not stated): gnomAD exomes below 0.00001; TOPMed below 0.00001.

Submission:

Ambry Genetics
Classification: Uncertain significance. Last evaluated: 2023-04-28. Review status: criteria provided, single submitter. Criteria: Ambry Variant Classification Scheme 2023. Collection method: clinical testing. Allele origin: germline.
Comment: The p.P611L variant (also known as c.1832C>T), located in coding exon 12 of the POLQ gene, results from a C to T substitution at nucleotide position 1832. The proline at codon 611 is replaced by leucine, an amino acid with similar properties. This amino acid position is conserved. In addition, the in silico prediction for this alteration is inconclusive. Since supporting evidence is limited at this time, the clinical significance of this alteration remains unclear.

NM_199420.4(POLQ):c.1832C>T (p.Pro611Leu)

Gene: POLQ (DNA polymerase theta; minus strand). Cytogenetic location: 3q13.33.
Variant type: single nucleotide variant.
Coding change: c.1832C>T on transcript NM_199420.4 (MANE Select); coding-DNA position 1832, C replaced by T.
Protein change: p.Pro611Leu; replaces proline 611 with leucine.
Molecular consequence: missense variant.
Genome position (GRCh38, 1-based): chr3:121,509,688, G>A on the plus strand (C>T on the coding strand, the complement: POLQ is on the minus strand). VCF-style: chr3-121509688-G-A. GRCh37 (hg19) VCF-style: chr3-121228535-G-A.
Other names: short protein forms P611L.
Identifiers: ClinVar variation 2563818 (VCV002563818.2), dbSNP rs1258172576, ClinGen allele CA354113988.